The following is an entry in ClinVar:

ClinVar aggregate classification (germline): Uncertain significance (1 of 4 stars; one submission).

Allele frequency attached by ClinVar (database versions not stated): gnomAD exomes below 0.00001.

Submission:

Labcorp Genetics (formerly Invitae), Labcorp
Classification: Uncertain significance. Last evaluated: 2022-08-15. Review status: criteria provided, single submitter. Criteria: Invitae Variant Classification Sherloc (09022015). Collection method: clinical testing. Allele origin: germline.
Comment: This sequence change replaces proline, which is neutral and non-polar, with serine, which is neutral and polar, at codon 403 of the MTTP protein (p.Pro403Ser). This variant is present in population databases (no rsID available, gnomAD 0.0009%). This variant has not been reported in the literature in individuals affected with MTTP-related conditions. Algorithms developed to predict the effect of missense changes on protein structure and function are either unavailable or do not agree on the potential impact of this missense change (SIFT: "Tolerated"; PolyPhen-2: "Probably Damaging"; Align-GVGD: "Class C0"). In summary, the available evidence is currently insufficient to determine the role of this variant in disease. Therefore, it has been classified as a Variant of Uncertain Significance.

NM_001386140.1(MTTP):c.1207C>T (p.Pro403Ser)

Gene: MTTP (microsomal triglyceride transfer protein; plus strand). Cytogenetic location: 4q23.
Variant type: single nucleotide variant.
Coding change: c.1207C>T on transcript NM_001386140.1 (MANE Select); coding-DNA position 1207, C replaced by T.
Protein change: p.Pro403Ser; replaces proline 403 with serine.
Molecular consequence: missense variant.
Genome position (GRCh38, 1-based): chr4:99,600,704, C>T. VCF-style: chr4-99600704-C-T. GRCh37 (hg19) VCF-style: chr4-100521861-C-T.
Other names: c.1207C>T, p.Pro403Ser (NM_000253.4); c.958C>T, p.Pro320Ser (NM_001300785.2); short protein forms P320S, P403S.
Identifiers: ClinVar variation 1948883 (VCV001948883.2), dbSNP rs1304503359, ClinGen allele CA357508592.